The following is an entry in ClinVar:

ClinVar aggregate classification (germline): Likely benign. Review status: criteria provided, multiple submitters, no conflicts (2 of 4 stars). 2 submissions from 2 submitters: Likely benign (2). Last evaluated 2025-05-01.

Allele frequency attached by ClinVar (database versions not stated): gnomAD 0.00001; ExAC 0.00002; gnomAD exomes 0.00002.
gnomAD v4.1: 11 of 1,575,908 alleles (0.0007%); highest among the groups gnomAD compares: African/African-American, 0.0041%; no homozygotes.

Submissions (2):

CeGaT Center for Human Genetics Tuebingen
Classification: Likely benign. Last evaluated: 2025-05-01. Review status: criteria provided, single submitter. Criteria: CeGaT Center For Human Genetics Tuebingen Variant Classification Criteria Version 2. Collection method: clinical testing. Allele origin: germline. Affected: yes. Observed: 1 variant allele.
Comment: SBF1: BP4, BP7

Labcorp Genetics (formerly Invitae), Labcorp
Classification: Likely benign. Last evaluated: 2022-06-13. Review status: criteria provided, single submitter. Criteria: Invitae Variant Classification Sherloc (09022015). Collection method: clinical testing. Allele origin: germline.

NM_002972.4(SBF1):c.4881C>T (p.Ala1627=)

Gene: SBF1 (SET binding factor 1; minus strand). Cytogenetic location: 22q13.33.
Variant type: single nucleotide variant.
Coding change: c.4881C>T on transcript NM_002972.4 (MANE Select); coding-DNA position 4881, C replaced by T.
Protein change: p.Ala1627=; no amino-acid change (alanine 1627 retained).
Molecular consequence: synonymous variant.
Genome position (GRCh38, 1-based): chr22:50,454,674, G>A on the plus strand (C>T on the coding strand, the complement: SBF1 is on the minus strand). VCF-style: chr22-50454674-G-A. GRCh37 (hg19) VCF-style: chr22-50893103-G-A.
Other names: c.4806C>T, p.Ala1602= (NM_001365819.1).
Identifiers: ClinVar variation 1540884 (VCV001540884.18), dbSNP rs777402255, ClinGen allele CA10316084.